The following is an entry in ClinVar:

ClinVar aggregate classification (germline): Uncertain significance (1 of 4 stars; one submission).

Allele frequency attached by ClinVar (database versions not stated): gnomAD exomes below 0.00001; TOPMed 0.00002; gnomAD 0.00005.
gnomAD v4.1: 9 of 1,613,988 alleles (0.00056%); highest among the groups gnomAD compares: Admixed American, 0.013%; no homozygotes.

Submission:

Labcorp Genetics (formerly Invitae), Labcorp
Classification: Uncertain significance. Last evaluated: 2022-04-18. Review status: criteria provided, single submitter. Criteria: Invitae Variant Classification Sherloc (09022015). Collection method: clinical testing. Allele origin: germline.
Comment: This sequence change replaces cysteine, which is neutral and slightly polar, with arginine, which is basic and polar, at codon 563 of the MICAL1 protein (p.Cys563Arg). This variant is not present in population databases (gnomAD no frequency). This variant has not been reported in the literature in individuals affected with MICAL1-related conditions. Algorithms developed to predict the effect of missense changes on protein structure and function are either unavailable or do not agree on the potential impact of this missense change (SIFT: "Deleterious"; PolyPhen-2: "Probably Damaging"; Align-GVGD: "Class C0"). In summary, the available evidence is currently insufficient to determine the role of this variant in disease. Therefore, it has been classified as a Variant of Uncertain Significance.

NM_022765.4(MICAL1):c.1630T>C (p.Cys544Arg)

Gene: MICAL1 (microtubule associated monooxygenase, calponin and LIM domain containing 1; minus strand). Cytogenetic location: 6q21.
Variant type: single nucleotide variant.
Coding change: c.1630T>C on transcript NM_022765.4 (MANE Select); coding-DNA position 1630, T replaced by C.
Protein change: p.Cys544Arg; replaces cysteine 544 with arginine.
Molecular consequence: missense variant.
Genome position (GRCh38, 1-based): chr6:109,448,766, A>G on the plus strand (T>C on the coding strand, the complement: MICAL1 is on the minus strand). VCF-style: chr6-109448766-A-G. GRCh37 (hg19) VCF-style: chr6-109769969-A-G.
Other names: c.1372T>C, p.Cys458Arg (NM_001159291.2); c.1687T>C, p.Cys563Arg (NM_001286613.2); short protein forms C458R, C544R, C563R.
Identifiers: ClinVar variation 2417845 (VCV002417845.5), dbSNP rs1367256446, ClinGen allele CA365229082.
Genomic context (GRCh38, chr6:109,448,766, plus strand): 5'-GAGAGGTGGGTCTGCCAGGGACTCACAGCAGGCCAGGCTGCAGCCGGTACACCAGGGCAC[A>G]CAGAGCTAGCCCATCAGCCCAGGAGGAAGACAAATCGGAGACGTGGACTCCCGGGTACCC-3'
Protein context (NP_073602.3, residues 534-554): SSSWADGLAL[Cys544Arg]ALVYRLQPGL